The following is an entry in ClinVar:

NM_002474.3(MYH11):c.4331C>A (p.Ser1444Tyr)

Genes: MYH11 (myosin heavy chain 11; minus strand), NDE1 (nudE neurodevelopment protein 1; plus strand). Cytogenetic location: 16p13.11.
Variant type: single nucleotide variant.
Coding change: c.4331C>A on transcript NM_002474.3 (MANE Select); coding-DNA position 4331, C replaced by A.
Protein change: p.Ser1444Tyr; replaces serine 1444 with tyrosine.
Molecular consequence: missense variant.
Genome position (GRCh38, 1-based): chr16:15,724,195, G>T on the plus strand (C>A on the coding strand, the complement: MYH11 is on the minus strand). VCF-style: chr16-15724195-G-T. GRCh37 (hg19) VCF-style: chr16-15818052-G-T.
Other names: c.4352C>A, p.Ser1451Tyr (NM_001040113.2, NM_001040114.2); c.4331C>A, p.Ser1444Tyr (NM_022844.3); c.952G>T, p.Asp318Tyr (NM_001143979.2, NM_017668.3); short protein forms D318Y, S1444Y, S1451Y.
Identifiers: ClinVar variation 3297369 (VCV003297369.2).

ClinVar aggregate classification (germline): Uncertain significance. Review status: criteria provided, multiple submitters, no conflicts (2 of 4 stars). 2 submissions from 2 submitters: Uncertain significance (2). Last evaluated 2025-06-28.

Conditions:
Familial thoracic aortic aneurysm and aortic dissection (TAAD). Also called: Thoracic aortic aneurysms and dissections. Identifiers: Orphanet 91387, MedGen C4707243, MONDO:0019625.

Submissions (2):

GeneDx
Classification: Uncertain significance. Last evaluated: 2025-06-28. Review status: criteria provided, single submitter. Criteria: GeneDx Variant Classification Process June 2021. Collection method: clinical testing. Allele origin: germline. Affected: yes.
Comment: Not observed at significant frequency in large population cohorts (gnomAD); In silico analysis supports that this missense variant has a deleterious effect on protein structure/function; Has not been previously published as pathogenic or benign to our knowledge; This variant is associated with the following publications: (PMID: 21529752)

Ambry Genetics
Classification: Uncertain significance for Familial thoracic aortic aneurysm and aortic dissection. Last evaluated: 2024-06-21. Review status: criteria provided, single submitter. Criteria: Ambry Variant Classification Scheme 2023. Collection method: clinical testing. Allele origin: germline.
Comment: The p.S1444Y variant (also known as c.4331C>A), located in coding exon 30 of the MYH11 gene, results from a C to A substitution at nucleotide position 4331. The serine at codon 1444 is replaced by tyrosine, an amino acid with dissimilar properties. This amino acid position is conserved. In addition, this alteration is predicted to be tolerated by in silico analysis. Based on the available evidence, the clinical significance of this variant remains unclear.